The following is an entry in ClinVar:

ClinVar aggregate classification (germline): Uncertain significance (1 of 4 stars; one submission).

Conditions:
EGFR-related lung cancer (EGFR). Identifiers: MedGen CN130014.

Submission:

Labcorp Genetics (formerly Invitae), Labcorp
Classification: Uncertain significance for EGFR-related lung cancer. Last evaluated: 2024-02-14. Review status: criteria provided, single submitter. Criteria: Invitae Variant Classification Sherloc (09022015). Collection method: clinical testing. Allele origin: germline.
Comment: This sequence change replaces isoleucine, which is neutral and non-polar, with threonine, which is neutral and polar, at codon 401 of the EGFR protein (p.Ile401Thr). This variant is not present in population databases (gnomAD no frequency). This variant has not been reported in the literature in individuals affected with EGFR-related conditions. Advanced modeling of protein sequence and biophysical properties (such as structural, functional, and spatial information, amino acid conservation, physicochemical variation, residue mobility, and thermodynamic stability) performed at Invitae indicates that this missense variant is expected to disrupt EGFR protein function with a positive predictive value of 80%. In summary, the available evidence is currently insufficient to determine the role of this variant in disease. Therefore, it has been classified as a Variant of Uncertain Significance.

NM_005228.5(EGFR):c.1202T>C (p.Ile401Thr)

Genes: EGFR (epidermal growth factor receptor; plus strand), LOC126860048 (P300/CBP strongly-dependent group 1 enhancer GRCh37_chr7:55223847-55225046; plus strand). Cytogenetic location: 7p11.2.
Variant type: single nucleotide variant.
Coding change: c.1202T>C on transcript NM_005228.5 (MANE Select); coding-DNA position 1202, T replaced by C.
Protein change: p.Ile401Thr; replaces isoleucine 401 with threonine.
Molecular consequence: missense variant.
Genome position (GRCh38, 1-based): chr7:55,156,827, T>C. VCF-style: chr7-55156827-T-C. GRCh37 (hg19) VCF-style: chr7-55224520-T-C.
Other names: c.1067T>C, p.Ile356Thr (NM_001346897.2, NM_001346899.2); c.1202T>C, p.Ile401Thr (NM_001346898.2, NM_201282.2, NM_201283.2 and 1 more transcripts); c.1043T>C, p.Ile348Thr (NM_001346900.2); c.401T>C, p.Ile134Thr (NM_001346941.2); short protein forms I134T, I348T, I401T, I356T.
Identifiers: ClinVar variation 3640681 (VCV003640681.2).